The following is an entry in ClinVar:

ClinVar aggregate classification (germline): Uncertain significance (1 of 4 stars; one submission).

Conditions:
Primary ciliary dyskinesia. Also called: Ciliary dyskinesia. Identifiers: Orphanet 244, MedGen C0008780, MONDO:0016575, HP:0012265.

Submission:

Labcorp Genetics (formerly Invitae), Labcorp
Classification: Uncertain significance for Primary ciliary dyskinesia. Last evaluated: 2023-11-24. Review status: criteria provided, single submitter. Criteria: Invitae Variant Classification Sherloc (09022015). Collection method: clinical testing. Allele origin: germline.
Comment: This sequence change replaces cysteine, which is neutral and slightly polar, with tyrosine, which is neutral and polar, at codon 42 of the RPGR protein (p.Cys42Tyr). This variant is not present in population databases (gnomAD no frequency). This variant has not been reported in the literature in individuals affected with RPGR-related conditions. Advanced modeling of protein sequence and biophysical properties (such as structural, functional, and spatial information, amino acid conservation, physicochemical variation, residue mobility, and thermodynamic stability) performed at Invitae indicates that this missense variant is expected to disrupt RPGR protein function with a positive predictive value of 95%. In summary, the available evidence is currently insufficient to determine the role of this variant in disease. Therefore, it has been classified as a Variant of Uncertain Significance.

NM_001034853.2(RPGR):c.125G>A (p.Cys42Tyr)

Gene: RPGR (retinitis pigmentosa GTPase regulator; minus strand). Cytogenetic location: Xp11.4.
Variant type: single nucleotide variant.
Coding change: c.125G>A on transcript NM_001034853.2 (MANE Select); coding-DNA position 125, G replaced by A.
Protein change: p.Cys42Tyr; replaces cysteine 42 with tyrosine.
Molecular consequence: missense variant. On other transcripts: non-coding transcript variant (6).
Genome position (GRCh38, 1-based): chrX:38,323,428, C>T on the plus strand (G>A on the coding strand, the complement: RPGR is on the minus strand). VCF-style: chrX-38323428-C-T. GRCh37 (hg19) VCF-style: chrX-38182681-C-T.
Other names: c.125G>A, p.Cys42Tyr (NM_000328.3, NM_001367245.1, NM_001367246.1 and 4 more transcripts); c.155G>A, p.Cys52Tyr (NM_001367248.1); short protein forms C42Y, C52Y.
Identifiers: ClinVar variation 2698558 (VCV002698558.3), dbSNP rs2519912062, ClinGen allele CA412745788.
Genomic context (GRCh38, chrX:38,323,428, plus strand): 5'-TACTGTCCTTATTCAGGATTGTAATACTAACCGGTAACAACAGCAGAATGTTCATCTCCA[C>T]ATGAAAGATGTACAGGGACATCATTTTTAAACCAGAATTTACCGGGATTATTTTCAGCAA-3'
Protein context (NP_001030025.1, residues 32-52): FKNDVPVHLS[Cys42Tyr]GDEHSAVVTG